The following is an entry in ClinVar:

ClinVar aggregate classification (germline): Uncertain significance (1 of 4 stars; one submission).

Conditions:
Epileptic encephalopathy. Identifiers: MedGen C0543888, HP:0200134.

Allele frequency attached by ClinVar (database versions not stated): TOPMed 0.00002.
gnomAD v4.1: 22 of 1,613,700 alleles (0.0014%); highest among the groups gnomAD compares: Middle Eastern, 0.049%; no homozygotes.

Submission:

Labcorp Genetics (formerly Invitae), Labcorp
Classification: Uncertain significance for Epileptic encephalopathy. Last evaluated: 2021-08-30. Review status: criteria provided, single submitter. Criteria: Invitae Variant Classification Sherloc (09022015). Collection method: clinical testing. Allele origin: germline.
Comment: This sequence change replaces arginine with glutamine at codon 626 of the RYR3 protein (p.Arg626Gln). The arginine residue is highly conserved and there is a small physicochemical difference between arginine and glutamine. This variant is present in population databases (rs777760026, ExAC 0.003%). This variant has not been reported in the literature in individuals affected with RYR3-related conditions. Algorithms developed to predict the effect of missense changes on protein structure and function output the following: SIFT: "Deleterious"; PolyPhen-2: "Benign"; Align-GVGD: "Class C0". The glutamine amino acid residue is found in multiple mammalian species, which suggests that this missense change does not adversely affect protein function. Algorithms developed to predict the effect of sequence changes on RNA splicing suggest that this variant may create or strengthen a splice site. In summary, the available evidence is currently insufficient to determine the role of this variant in disease. Therefore, it has been classified as a Variant of Uncertain Significance.

NM_001036.6(RYR3):c.1877G>A (p.Arg626Gln)

Gene: RYR3 (ryanodine receptor 3; plus strand). Cytogenetic location: 15q14.
Variant type: single nucleotide variant.
Coding change: c.1877G>A on transcript NM_001036.6 (MANE Select); coding-DNA position 1877, G replaced by A.
Protein change: p.Arg626Gln; replaces arginine 626 with glutamine.
Molecular consequence: missense variant.
Genome position (GRCh38, 1-based): chr15:33,601,507, G>A. VCF-style: chr15-33601507-G-A. GRCh37 (hg19) VCF-style: chr15-33893708-G-A.
Other names: c.1877G>A, p.Arg626Gln (NM_001243996.4); short protein forms R626Q.
Identifiers: ClinVar variation 641536 (VCV000641536.6), dbSNP rs777760026, ClinGen allele CA7458265.